The following is an entry in ClinVar:

NM_000444.6(PHEX):c.561del (p.Leu188fs)

Gene: PHEX (phosphate regulating endopeptidase X-linked; plus strand). Cytogenetic location: Xp22.11.
Variant type: Deletion.
Coding change: c.561del on transcript NM_000444.6 (MANE Select); coding-DNA position 561, one base deleted (T; older notation c.561delT).
Protein change: p.Leu188fs; shifts the reading frame from leucine 188.
Molecular consequence: frameshift variant.
Genome position (GRCh38, 1-based): chrX:22,077,600, T deleted; the last of 2 consecutive T bases (chrX:22,077,599-22,077,600); deleting either gives the same sequence. VCF-style (leftmost placement, unchanged base first): chrX-22077598-CT-C. GRCh37 (hg19) VCF-style: chrX-22095716-CT-C.
Other names: c.561del, p.Leu188fs (NM_001282754.2); short protein forms L188fs.
Identifiers: ClinVar variation 5018586 (VCV005018586.1).

ClinVar aggregate classification (germline): Pathogenic (1 of 4 stars; one submission).

Conditions:
Familial X-linked hypophosphatemic vitamin D refractory rickets (XLHRD). Also called: HYPOPHOSPHATEMIC VITAMIN D-RESISTANT RICKETS; Hypophosphatemic Rickets, X-Linked Dominant; Hypophosphatemia, vitamin D-resistant rickets; Vitamin D-resistant rickets, X-linked; X-Linked Hypophosphatemia. Identifiers: Orphanet 89936, MedGen C0733682, MONDO:0010619, OMIM 307800.

Submission:

Juno Genomics, Hangzhou Juno Genomics, Inc
Classification: Pathogenic for Familial X-linked hypophosphatemic vitamin D refractory rickets. Review status: criteria provided, single submitter. Criteria: ACMG Guidelines, 2015. Collection method: clinical testing. Allele origin: germline. Affected: yes.
Comment: Absent from controls (or at extremely low frequency if recessive) in Genome Aggregation Database.;Null variant in a gene where loss of function (LOF) is a known mechanism of disease.;Patient's phenotype or family history is highly specific for a disease with a single genetic etiology.